The following is an entry in ClinVar:

ClinVar aggregate classification (germline): Uncertain significance (1 of 4 stars; one submission).

Submission:

Ambry Genetics
Classification: Uncertain significance. Last evaluated: 2025-01-01. Review status: criteria provided, single submitter. Criteria: Ambry Variant Classification Scheme 2023. Collection method: clinical testing. Allele origin: germline.
Comment: The p.G754S variant (also known as c.2260G>A), located in coding exon 8 of the RNF43 gene, results from a G to A substitution at nucleotide position 2260. The glycine at codon 754 is replaced by serine, an amino acid with similar properties. This amino acid position is conserved. In addition, this alteration is predicted to be tolerated by in silico analysis. Based on the available evidence, the clinical significance of this variant remains unclear.

NM_017763.6(RNF43):c.2260G>A (p.Gly754Ser)

Gene: RNF43 (ring finger protein 43; minus strand). Cytogenetic location: 17q22.
Variant type: single nucleotide variant.
Coding change: c.2260G>A on transcript NM_017763.6 (MANE Select); coding-DNA position 2260, G replaced by A.
Protein change: p.Gly754Ser; replaces glycine 754 with serine.
Molecular consequence: missense variant.
Genome position (GRCh38, 1-based): chr17:58,357,516, C>T on the plus strand (G>A on the coding strand, the complement: RNF43 is on the minus strand). VCF-style: chr17-58357516-C-T. GRCh37 (hg19) VCF-style: chr17-56434877-C-T.
Other names: c.2260G>A, p.Gly754Ser (NM_001305544.3); c.1879G>A, p.Gly627Ser (NM_001305545.2); short protein forms G754S, G627S.
Identifiers: ClinVar variation 3789876 (VCV003789876.1).